The following is an entry in ClinVar:

ClinVar aggregate classification (germline): Conflicting classifications of pathogenicity. Review status: criteria provided, conflicting classifications (1 of 4 stars). 4 submissions from 4 submitters: Likely pathogenic (1); Uncertain significance (1). 2 of the submissions do not count toward it. Last evaluated 2023-07-19.

Conditions:
Tumoral calcinosis, hyperphosphatemic, familial, 3. Identifiers: MedGen C4693864, MONDO:0060715, OMIM 617994.
Tumoral calcinosis, hyperphosphatemic, familial, 1. Also called: LIPOCALCINOGRANULOMATOSIS; MORBUS TEUTSCHLAENDER; CALCINOSIS, TUMORAL, WITH HYPERPHOSPHATEMIA; HYPEROSTOSIS WITH HYPERPHOSPHATEMIA; HYPEROSTOSIS-HYPERPHOSPHATEMIA SYNDROME; CORTICAL HYPEROSTOSIS WITH HYPERPHOSPHATEMIA. Identifiers: Orphanet 53715, MedGen C4692564, MONDO:0100252, OMIM 211900.

Allele frequency attached by ClinVar (database versions not stated): gnomAD exomes below 0.00001; ExAC 0.00001; gnomAD 0.00001; TOPMed 0.00001.
gnomAD v4.1: 5 of 1,596,426 alleles (0.00031%); highest among the groups gnomAD compares: Non-Finnish European, 0.00043%; no homozygotes.

Submissions (4):

Labcorp Genetics (formerly Invitae), Labcorp
Classification: Uncertain significance. Last evaluated: 2023-07-19. Review status: criteria provided, single submitter. Criteria: Invitae Variant Classification Sherloc (09022015). Collection method: clinical testing. Allele origin: germline.
Comment: This sequence change replaces histidine, which is basic and polar, with arginine, which is basic and polar, at codon 193 of the KL protein (p.His193Arg). The frequency data for this variant in the population databases is considered unreliable, as metrics indicate poor data quality at this position in the gnomAD database. In summary, the available evidence is currently insufficient to determine the role of this variant in disease. Therefore, it has been classified as a Variant of Uncertain Significance. Experimental studies have shown that this missense change affects KL function (PMID: 17710231). Advanced modeling of protein sequence and biophysical properties (such as structural, functional, and spatial information, amino acid conservation, physicochemical variation, residue mobility, and thermodynamic stability) performed at Invitae indicates that this missense variant is expected to disrupt KL protein function. ClinVar contains an entry for this variant (Variation ID: 5346). This missense change has been observed in individual(s) with tumoral calcinosis (PMID: 17710231).

SIB Swiss Institute of Bioinformatics
Classification: Likely pathogenic for Tumoral calcinosis, hyperphosphatemic, familial, 3. Last evaluated: 2018-10-15. Review status: criteria provided, single submitter. Criteria: ACMG Guidelines, 2015. Collection method: curation. Allele origin: germline.
Comment: This variant is interpreted as Likely Pathogenic, for Tumoral calcinosis, hyperphosphatemic, familial, 3, autosomal recessive. The following ACMG Tag(s) were applied: PM2 => Absent from controls (or at extremely low frequency if recessive) in Exome Sequencing Project, 1000 Genomes Project, or Exome Aggregation Consortium. PP3 => Multiple lines of computational evidence support a deleterious effect on the gene or gene product. PS3 => Well-established functional studies show a deleterious effect (PubMed 17710231).

OMIM
Classification: Pathogenic for TUMORAL CALCINOSIS, FAMILIAL, HYPERPHOSPHATEMIC, 3 (1 patient). Last evaluated: 2007-09-01. Review status: no assertion criteria provided. Collection method: literature only. Allele origin: germline. Not counted in ClinVar's aggregate classification.

GeneReviews
No classification provided. Condition: Tumoral calcinosis, hyperphosphatemic, familial, 1. Review status: no classification provided. Collection method: literature only. Allele origin: germline. Not counted in ClinVar's aggregate classification.

Literature cited by the submitters: PubMed 17710231 (cited by 3 submitters); NCBI Bookshelf NBK476672 (cited by GeneReviews); PubMed 29389098 (cited by GeneReviews).

NM_004795.4(KL):c.578A>G (p.His193Arg)

Gene: KL (klotho; plus strand). Cytogenetic location: 13q13.1.
Variant type: single nucleotide variant.
Coding change: c.578A>G on transcript NM_004795.4 (MANE Select); coding-DNA position 578, A replaced by G.
Protein change: p.His193Arg; replaces histidine 193 with arginine.
Molecular consequence: missense variant.
Genome position (GRCh38, 1-based): chr13:33,017,018, A>G. VCF-style: chr13-33017018-A-G. GRCh37 (hg19) VCF-style: chr13-33591156-A-G.
Other names: short protein forms H193R.
Identifiers: ClinVar variation 5346 (VCV000005346.5), dbSNP rs121908423, ClinGen allele CA117421.